The following is an entry in ClinVar:

NM_001394998.1(TANC2):c.680T>G (p.Ile227Ser)

Gene: TANC2 (tetratricopeptide repeat, ankyrin repeat and coiled-coil containing 2; plus strand). Cytogenetic location: 17q23.3.
Variant type: single nucleotide variant.
Coding change: c.680T>G on transcript NM_001394998.1 (MANE Select); coding-DNA position 680, T replaced by G.
Protein change: p.Ile227Ser; replaces isoleucine 227 with serine.
Molecular consequence: missense variant.
Genome position (GRCh38, 1-based): chr17:63,200,868, T>G. VCF-style: chr17-63200868-T-G. GRCh37 (hg19) VCF-style: chr17-61278229-T-G.
Other names: NC_000017.10:g.61278229T>G; c.458T>G, p.Ile153Ser (NM_025185.4); short protein forms I153S, I227S.
Identifiers: ClinVar variation 782551 (VCV000782551.38), dbSNP rs117690040, ClinGen allele CA8697413.
Genomic context (GRCh38, chr17:63,200,868, plus strand): 5'-CTCTGACTAGCAGCACTGCCTCTCCACCAGCCAGTAGCCCCTGCTCTACACTCCCACCCA[T>G]CAGTACAAATGCAACTGCCAAGGACTGCAGCTATGGGGCTGTTACTAGTCCAACCTCTAC-3'
Protein context (NP_001381927.1, residues 217-237): ASSPCSTLPP[Ile227Ser]STNATAKDCS

ClinVar aggregate classification (germline): Benign. Review status: criteria provided, multiple submitters, no conflicts (2 of 4 stars). 3 submissions from 3 submitters: Benign (3). Last evaluated 2024-07-01.

Allele frequency attached by ClinVar (database versions not stated): 1000 Genomes Project 0.00539; 1000 Genomes Project 30x 0.00593; TOPMed 0.00914; ExAC 0.00969; ESP Exome Variant Server 0.01003; gnomAD 0.01121 and 0.01153.
gnomAD v4.1: 23,209 of 1,613,784 alleles (1.4%); highest among the groups gnomAD compares: Non-Finnish European, 1.7%; 218 homozygotes.

Submissions (8):

CeGaT Center for Human Genetics Tuebingen
Classification: Benign. Last evaluated: 2024-07-01. Review status: criteria provided, single submitter. Criteria: CeGaT Center For Human Genetics Tuebingen Variant Classification Criteria Version 2. Collection method: clinical testing. Allele origin: germline. Affected: yes. Observed: 54 variant alleles.
Comment: TANC2: BP4, BS1, BS2

Labcorp Genetics (formerly Invitae), Labcorp
Classification: Benign. Last evaluated: 2018-07-06. Review status: criteria provided, single submitter. Criteria: Invitae Variant Classification Sherloc (09022015). Collection method: clinical testing. Allele origin: germline.

Breakthrough Genomics
Classification: Benign. Review status: criteria provided, single submitter. Criteria: ACMG Guidelines, 2015. Collection method: not provided. Allele origin: germline. Inheritance: Autosomal dominant inheritance. Affected: yes.

Dr. Peter K. Rogan Lab, Western University
No classification provided (evidence only). Condition: Lung cancer. Review status: no classification provided. Collection method: in vitro. Allele origin: not applicable. Functional consequence: skipped exon. Not counted in ClinVar's aggregate classification.

Dr. Peter K. Rogan Lab, Western University
No classification provided (evidence only). Condition: Melanoma. Review status: no classification provided. Collection method: in vitro. Allele origin: not applicable. Functional consequence: retained intron. Not counted in ClinVar's aggregate classification.

Dr. Peter K. Rogan Lab, Western University
No classification provided (evidence only). Condition: Uterine corpus endometrial carcinoma. Review status: no classification provided. Collection method: in vitro. Allele origin: not applicable. Functional consequence: retained intron. Not counted in ClinVar's aggregate classification.

Dr. Peter K. Rogan Lab, Western University
No classification provided (evidence only). Condition: Nonpapillary renal cell carcinoma. Review status: no classification provided. Collection method: in vitro. Allele origin: not applicable. Functional consequence: retained intron. Not counted in ClinVar's aggregate classification.

Dr. Peter K. Rogan Lab, Western University
No classification provided (evidence only). Condition: Malignant tumor of esophagus. Review status: no classification provided. Collection method: in vitro. Allele origin: not applicable. Functional consequence: retained intron. Not counted in ClinVar's aggregate classification.